The following is an entry in ClinVar:

NM_020778.5(ALPK3):c.1009C>T (p.Gln337Ter)

Gene: ALPK3 (alpha kinase 3; plus strand). Cytogenetic location: 15q25.3.
Variant type: single nucleotide variant.
Coding change: c.1009C>T on transcript NM_020778.5 (MANE Select); coding-DNA position 1009, C replaced by T.
Protein change: p.Gln337Ter; replaces glutamine 337 with a stop codon.
Molecular consequence: nonsense.
Genome position (GRCh38, 1-based): chr15:84,840,288, C>T. VCF-style: chr15-84840288-C-T. GRCh37 (hg19) VCF-style: chr15-85383519-C-T.
Other names: short protein forms Q539*, Q337*.
Identifiers: ClinVar variation 620318 (VCV000620318.3), dbSNP rs1567089714, ClinGen allele CA393374089.

ClinVar aggregate classification (germline): Likely pathogenic. Review status: criteria provided, multiple submitters, no conflicts (2 of 4 stars). 2 submissions from 2 submitters: Likely pathogenic (2). Last evaluated 2019-05-14.

Conditions:
Cardiovascular phenotype. Identifiers: MedGen CN230736.

Submissions (2):

Ambry Genetics
Classification: Likely pathogenic for Cardiovascular phenotype. Last evaluated: 2019-05-14. Review status: criteria provided, single submitter. Criteria: Ambry Variant Classification Scheme 2023. Collection method: clinical testing. Allele origin: germline.
Comment: The p.Q539* variant (also known as c.1615C>T), located in coding exon 5 of the ALPK3 gene, results from a C to T substitution at nucleotide position 1615. This changes the amino acid from a glutamine to a stop codon within coding exon 5. This alteration is expected to result in loss of function by premature protein truncation or nonsense-mediated mRNA decay. Based on the majority of available evidence to date, this variant is likely to be pathogenic.

GeneDx
Classification: Likely pathogenic. Last evaluated: 2018-08-20. Review status: criteria provided, single submitter. Criteria: GeneDx Variant Classification (06012015). Collection method: clinical testing. Allele origin: germline. Affected: yes.
Comment: The Q539X likely pathogenic variant in the ALPK3 gene has not been reported as a pathogenic or benign to our knowledge. Q539X is predicted to cause loss of normal protein function either by protein truncation or nonsense-mediated mRNA decay. Other nonsense variants in the ALPK3 gene have been reported in Human Gene Mutation Database in association with cardiomyopathy (Stenson et al., 2014). Furthermore, the Q539X variant is not observed in large population cohorts (Lek et al., 2016).